The following is an entry in ClinVar:

NM_024529.5(CDC73):c.*580A>T

Gene: CDC73 (cell division cycle 73; plus strand). Cytogenetic location: 1q31.2.
Variant type: single nucleotide variant.
Coding change: c.*580A>T on transcript NM_024529.5 (MANE Select); 580 bases downstream of the stop codon, A replaced by T.
Molecular consequence: 3 prime UTR variant.
Genome position (GRCh38, 1-based): chr1:193,251,292, A>T. VCF-style: chr1-193251292-A-T. GRCh37 (hg19) VCF-style: chr1-193220422-A-T.
Other names: NC_000001.10:g.193220422A>T.
Identifiers: ClinVar variation 294420 (VCV000294420.6), dbSNP rs191600804, ClinGen allele CA10608639.

ClinVar aggregate classification (germline): Benign/Likely benign. Review status: criteria provided, single submitter (1 of 4 stars). 3 submissions from 1 submitter: Benign (2); Likely benign (1). Last evaluated 2018-01-12.

Conditions:
Hyperparathyroidism 1 (HRPT1). Also called: HYPERPARATHYROIDISM, FAMILIAL ISOLATED PRIMARY. Identifiers: Orphanet 99879, MedGen C1840402, MONDO:0007767, OMIM 145000.
Hyperparathyroidism 2 with jaw tumors. Also called: Hyperparathyroidism 2; Hyperparathyroidism-Jaw Tumor Syndrome; HYPERPARATHYROIDISM, FAMILIAL PRIMARY, WITH MULTIPLE OSSIFYING JAW FIBROMAS; HYPERPARATHYROIDISM-JAW TUMOR SYNDROME, HEREDITARY. Identifiers: Orphanet 99880, MedGen C1704981, MONDO:0007768, OMIM 145001.
Parathyroid carcinoma (PRTC). Also called: Parathyroid gland carcinoma; CDC73-Related Parathyroid Carcinoma. Identifiers: Orphanet 143, MedGen C0687150, MONDO:0012004, OMIM 608266, HP:0006780.

Allele frequency attached by ClinVar (database versions not stated): 1000 Genomes Project 30x 0.00344; 1000 Genomes Project 0.00419; TOPMed 0.00680; gnomAD exomes 0.00826; gnomAD 0.01222 and 0.01264.
gnomAD v4.1: 2,479 of 231,992 alleles (1.1%); highest among the groups gnomAD compares: Non-Finnish European, 1.3%; 42 homozygotes.

Submissions (5):

Illumina Laboratory Services, Illumina
Classification: Likely benign for Hyperparathyroidism 1. Last evaluated: 2018-01-12. Review status: criteria provided, single submitter. Criteria: ICSL Variant Classification Criteria 13 December 2019. Collection method: clinical testing. Allele origin: germline.
Comment: This variant was observed in the ICSL laboratory as part of a predisposition screen in an ostensibly healthy population. It had not been previously curated by ICSL or reported in the Human Gene Mutation Database (HGMD: prior to June 1st, 2018), and was therefore a candidate for classification through an automated scoring system. Utilizing variant allele frequency, disease prevalence and penetrance estimates, and inheritance mode, an automated score was calculated to assess if this variant is too frequent to cause the disease. Based on the score and internal cut-off values, a variant classified as likely benign is not then subjected to further curation. The score for this variant resulted in a classification of likely benign for this disease.

Illumina Laboratory Services, Illumina
Classification: Benign for Hyperparathyroidism 2 with jaw tumors. Last evaluated: 2018-01-12. Review status: criteria provided, single submitter. Criteria: ICSL Variant Classification Criteria 13 December 2019. Collection method: clinical testing. Allele origin: germline.
Comment: This variant was observed in the ICSL laboratory as part of a predisposition screen in an ostensibly healthy population. It had not been previously curated by ICSL or reported in the Human Gene Mutation Database (HGMD: prior to June 1st, 2018), and was therefore a candidate for classification through an automated scoring system. Utilizing variant allele frequency, disease prevalence and penetrance estimates, and inheritance mode, an automated score was calculated to assess if this variant is too frequent to cause the disease. Based on the score and internal cut-off values, a variant classified as benign is not then subjected to further curation. The score for this variant resulted in a classification of benign for this disease.

Illumina Laboratory Services, Illumina
Classification: Benign for Parathyroid carcinoma. Last evaluated: 2018-01-12. Review status: criteria provided, single submitter. Criteria: ICSL Variant Classification Criteria 13 December 2019. Collection method: clinical testing. Allele origin: germline.
Comment: the same text as in the submission from Illumina Laboratory Services, Illumina above.

Dr. Peter K. Rogan Lab, Western University
No classification provided (evidence only). Condition: Cervical cancer. Review status: no classification provided. Collection method: in vitro. Allele origin: not applicable. Functional consequence: retained intron. Not counted in ClinVar's aggregate classification.

Dr. Peter K. Rogan Lab, Western University
No classification provided (evidence only). Condition: Ovarian serous cystadenocarcinoma. Review status: no classification provided. Collection method: in vitro. Allele origin: not applicable. Functional consequence: retained intron. Not counted in ClinVar's aggregate classification.